The following is an entry in ClinVar:

NM_032199.3(ARID5B):c.1004G>C (p.Arg335Thr)

Gene: ARID5B (AT-rich interaction domain 5B; plus strand). Cytogenetic location: 10q21.2.
Variant type: single nucleotide variant.
Coding change: c.1004G>C on transcript NM_032199.3 (MANE Select); coding-DNA position 1004, G replaced by C.
Protein change: p.Arg335Thr; replaces arginine 335 with threonine.
Molecular consequence: missense variant.
Genome position (GRCh38, 1-based): chr10:62,057,274, G>C. VCF-style: chr10-62057274-G-C. GRCh37 (hg19) VCF-style: chr10-63817033-G-C.
Other names: c.275G>C, p.Arg92Thr (NM_001244638.2); short protein forms R335T, R92T.
Identifiers: ClinVar variation 3346445 (VCV003346445.1).

ClinVar aggregate classification (germline): Uncertain significance (0 of 4 stars; one submission).

Conditions:
ARID5B-related disorder. Also called: ARID5B-related condition.

gnomAD v4.1: 1 of 1,612,302 alleles (0.000062%); highest among the groups gnomAD compares: Non-Finnish European, 0.000085%; no homozygotes.

Submission:

PreventionGenetics, part of Exact Sciences
Classification: Uncertain significance for ARID5B-related condition. Last evaluated: 2024-05-31. Review status: no assertion criteria provided. Collection method: clinical testing. Allele origin: germline.
Comment: The ARID5B c.1004G>C variant is predicted to result in the amino acid substitution p.Arg335Thr. To our knowledge, this variant has not been reported in the literature or in gnomAD, indicating this variant is rare. At this time, the clinical significance of this variant is uncertain due to the absence of conclusive functional and genetic evidence.